The following is an entry in ClinVar:

NM_001369.3(DNAH5):c.10282G>A (p.Ala3428Thr)

Gene: DNAH5 (dynein axonemal heavy chain 5; minus strand). Cytogenetic location: 5p15.2.
Variant type: single nucleotide variant.
Coding change: c.10282G>A on transcript NM_001369.3 (MANE Select); coding-DNA position 10282, G replaced by A.
Protein change: p.Ala3428Thr; replaces alanine 3428 with threonine.
Molecular consequence: missense variant.
Genome position (GRCh38, 1-based): chr5:13,758,983, C>T on the plus strand (G>A on the coding strand, the complement: DNAH5 is on the minus strand). VCF-style: chr5-13758983-C-T. GRCh37 (hg19) VCF-style: chr5-13759092-C-T.
Other names: short protein forms A3428T.
Identifiers: ClinVar variation 407250 (VCV000407250.9), dbSNP rs760220268, ClinGen allele CA3202284.

ClinVar aggregate classification (germline): Uncertain significance. Review status: criteria provided, multiple submitters, no conflicts (2 of 4 stars). 3 submissions from 3 submitters: Uncertain significance (2). 1 of the submissions does not count toward it. Last evaluated 2024-12-16.

Conditions:
Primary ciliary dyskinesia. Also called: Ciliary dyskinesia. Identifiers: Orphanet 244, MedGen C0008780, MONDO:0016575, HP:0012265.
Primary ciliary dyskinesia 3. Identifiers: Orphanet 244, MedGen C1837618, MONDO:0012085, OMIM 608644.

Allele frequency attached by ClinVar (database versions not stated): TOPMed below 0.00001; gnomAD exomes 0.00001 and 0.00002; ExAC 0.00002; gnomAD 0.00003.
gnomAD v4.1: 14 of 1,613,944 alleles (0.00087%); highest among the groups gnomAD compares: South Asian, 0.0077%; 1 homozygote.

Submissions (3):

Labcorp Genetics (formerly Invitae), Labcorp
Classification: Uncertain significance for Primary ciliary dyskinesia. Last evaluated: 2024-12-16. Review status: criteria provided, single submitter. Criteria: Invitae Variant Classification Sherloc (09022015). Collection method: clinical testing. Allele origin: germline.
Comment: This sequence change replaces alanine, which is neutral and non-polar, with threonine, which is neutral and polar, at codon 3428 of the DNAH5 protein (p.Ala3428Thr). This variant is present in population databases (rs760220268, gnomAD 0.01%). This variant has not been reported in the literature in individuals affected with DNAH5-related conditions. ClinVar contains an entry for this variant (Variation ID: 407250). An algorithm developed to predict the effect of missense changes on protein structure and function (PolyPhen-2) suggests that this variant is likely to be disruptive. In summary, the available evidence is currently insufficient to determine the role of this variant in disease. Therefore, it has been classified as a Variant of Uncertain Significance.

Neuberg Centre For Genomic Medicine, NCGM
Classification: Uncertain significance for Primary ciliary dyskinesia 3. Last evaluated: 2023-05-20. Review status: criteria provided, single submitter. Criteria: ACMG Guidelines, 2015. Collection method: clinical testing. Allele origin: germline. Inheritance: Autosomal recessive inheritance. Affected: yes.
Comment: The missense c.10282G>A (p.Ala3428Thr) variant in the DNAH5 gene has not been reported previously as a pathogenic variant nor as a benign variant, to our knowledge. This variant is reported with the allele frequency (0.002%) in the gnomAD Exome. This variant has been reported to the ClinVar database as Uncertain Significance. However, no details are available for independent assessment. The amino acid Alanine at position 3428 is changed to a Threonine changing protein sequence and it might alter its composition and physico-chemical properties. Multiple lines of computational evidence (Polyphen - Probably damaging, SIFT – Damaging and MutationTaster - Disease causing) predict a damaging effect on protein structure and function for this variant. The amino acid change alanine in DNAH5 is predicted as conserved by GERP++ and PhyloP across 100 vertebrates. For these reasons, this variant has been classified as Uncertain Significance.

Natera, Inc.
Classification: Uncertain significance for Primary ciliary dyskinesia. Last evaluated: 2019-10-28. Review status: no assertion criteria provided. Collection method: clinical testing. Allele origin: germline. Not counted in ClinVar's aggregate classification.